The following is an entry in ClinVar:

NM_001486.4(GCKR):c.1439T>A (p.Leu480Gln)

Gene: GCKR (glucokinase regulator; plus strand). Cytogenetic location: 2p23.3.
Variant type: single nucleotide variant.
Coding change: c.1439T>A on transcript NM_001486.4 (MANE Select); coding-DNA position 1439, T replaced by A.
Protein change: p.Leu480Gln; replaces leucine 480 with glutamine.
Molecular consequence: missense variant.
Genome position (GRCh38, 1-based): chr2:27,518,804, T>A. VCF-style: chr2-27518804-T-A. GRCh37 (hg19) VCF-style: chr2-27741671-T-A.
Other names: short protein forms L480Q.
Identifiers: ClinVar variation 2579859 (VCV002579859.1), dbSNP rs534091136, ClinGen allele CA1581992.
Genomic context (GRCh38, chr2:27,518,804, plus strand): 5'-CTGTCCTCTAATTTTTGACACCCCCATGTGTCTGCCCTTTTCAGAAGTTCCAGCGTGAGC[T>A]AAGCACCAAATGGGTGCTGAATACAGTGAGTACAGGTGCTCATGTGCTTCTTGGTAAGAT-3'
Protein context (NP_001477.2, residues 470-490): GNFIQKFQRE[Leu480Gln]STKWVLNTVS

ClinVar aggregate classification (germline): Uncertain significance (1 of 4 stars; one submission).

Allele frequency attached by ClinVar (database versions not stated): gnomAD exomes below 0.00001; ExAC 0.00001; gnomAD 0.00003; TOPMed 0.00003; 1000 Genomes Project 0.00020; 1000 Genomes Project 30x 0.00031.
gnomAD v4.1: 7 of 1,613,776 alleles (0.00043%); highest among the groups gnomAD compares: African/African-American, 0.0093%; no homozygotes.

Submission:

GeneDx
Classification: Uncertain significance. Last evaluated: 2023-03-14. Review status: criteria provided, single submitter. Criteria: GeneDx Variant Classification Process June 2021. Collection method: clinical testing. Allele origin: germline. Affected: yes.
Comment: Not observed at significant frequency in large population cohorts (gnomAD); In silico analysis supports that this missense variant has a deleterious effect on protein structure/function; Has not been previously published as pathogenic or benign to our knowledge